The following is an entry in ClinVar:

ClinVar aggregate classification (germline): Uncertain significance. Review status: criteria provided, multiple submitters, no conflicts (2 of 4 stars). 2 submissions from 2 submitters: Uncertain significance (2). Last evaluated 2025-04-29.

Conditions:
Inborn genetic diseases. Identifiers: MedGen C0950123, MeSH D030342.

Allele frequency attached by ClinVar (database versions not stated): TOPMed 0.00001; gnomAD exomes 0.00002; gnomAD 0.00001; ESP Exome Variant Server 0.00008.

Submissions (2):

Ambry Genetics
Classification: Uncertain significance for Inborn genetic diseases. Last evaluated: 2025-04-29. Review status: criteria provided, single submitter. Criteria: Ambry Variant Classification Scheme 2023. Collection method: clinical testing. Allele origin: germline.

Labcorp Genetics (formerly Invitae), Labcorp
Classification: Uncertain significance. Last evaluated: 2022-02-28. Review status: criteria provided, single submitter. Criteria: Invitae Variant Classification Sherloc (09022015). Collection method: clinical testing. Allele origin: germline.
Comment: This sequence change replaces arginine, which is basic and polar, with glycine, which is neutral and non-polar, at codon 402 of the MCM3AP protein (p.Arg402Gly). This variant is present in population databases (rs369227937, gnomAD 0.007%). This variant has not been reported in the literature in individuals affected with MCM3AP-related conditions. Algorithms developed to predict the effect of missense changes on protein structure and function are either unavailable or do not agree on the potential impact of this missense change (SIFT: "Tolerated"; PolyPhen-2: "Probably Damaging"; Align-GVGD: "Class C0"). In summary, the available evidence is currently insufficient to determine the role of this variant in disease. Therefore, it has been classified as a Variant of Uncertain Significance.

NM_003906.5(MCM3AP):c.1204A>G (p.Arg402Gly)

Gene: MCM3AP (minichromosome maintenance complex component 3 associated protein; minus strand). Cytogenetic location: 21q22.3.
Variant type: single nucleotide variant.
Coding change: c.1204A>G on transcript NM_003906.5 (MANE Select); coding-DNA position 1204, A replaced by G.
Protein change: p.Arg402Gly; replaces arginine 402 with glycine.
Molecular consequence: missense variant.
Genome position (GRCh38, 1-based): chr21:46,284,083, T>C on the plus strand (A>G on the coding strand, the complement: MCM3AP is on the minus strand). VCF-style: chr21-46284083-T-C. GRCh37 (hg19) VCF-style: chr21-47703997-T-C.
Other names: short protein forms R402G.
Identifiers: ClinVar variation 1991373 (VCV001991373.3), dbSNP rs369227937, ClinGen allele CA321980061.